The following is an entry in ClinVar:

NM_000660.7(TGFB1):c.41C>A (p.Pro14Gln)

Gene: TGFB1 (transforming growth factor beta 1; minus strand). Cytogenetic location: 19q13.2.
Variant type: single nucleotide variant.
Coding change: c.41C>A on transcript NM_000660.7 (MANE Select); coding-DNA position 41, C replaced by A.
Protein change: p.Pro14Gln; replaces proline 14 with glutamine.
Molecular consequence: missense variant.
Genome position (GRCh38, 1-based): chr19:41,353,004, G>T on the plus strand (C>A on the coding strand, the complement: TGFB1 is on the minus strand). VCF-style: chr19-41353004-G-T. GRCh37 (hg19) VCF-style: chr19-41858909-G-T.
Other names: short protein forms P14Q.
Identifiers: ClinVar variation 1957797 (VCV001957797.5), dbSNP rs2513393276, ClinGen allele CA406006430.
Genomic context (GRCh38, chr19:41,353,004, plus strand): 5'-TTGCAGGTGGATAGTCCCGCGGCCGGCCGGCCAGGCGTCAGCACCAGTAGCCACAGCAGC[G>T]GTAGCAGCAGCGGCAGCAGCCGCAGCCCGGAGGGCGGCATGGGGGAGGCGGCGCCCCCCG-3'
Protein context (NP_000651.3, residues 4-24): SGLRLLPLLL[Pro14Gln]LLWLLVLTPG

ClinVar aggregate classification (germline): Uncertain significance (1 of 4 stars; one submission).

gnomAD v4.1: 3 of 1,535,864 alleles (0.0002%); highest among the groups gnomAD compares: Non-Finnish European, 0.00026%; no homozygotes.

Submission:

Labcorp Genetics (formerly Invitae), Labcorp
Classification: Uncertain significance. Last evaluated: 2022-08-21. Review status: criteria provided, single submitter. Criteria: Invitae Variant Classification Sherloc (09022015). Collection method: clinical testing. Allele origin: germline.
Comment: This sequence change replaces proline, which is neutral and non-polar, with glutamine, which is neutral and polar, at codon 14 of the TGFB1 protein (p.Pro14Gln). In summary, the available evidence is currently insufficient to determine the role of this variant in disease. Therefore, it has been classified as a Variant of Uncertain Significance. Algorithms developed to predict the effect of missense changes on protein structure and function are either unavailable or do not agree on the potential impact of this missense change (SIFT: "Tolerated"; PolyPhen-2: "Not Available"; Align-GVGD: "Class C0"). This variant has not been reported in the literature in individuals affected with TGFB1-related conditions. This variant is not present in population databases (gnomAD no frequency).